The following is an entry in ClinVar:

NM_001184.4(ATR):c.2805+272T>G

Gene: ATR (ATR serine/threonine kinase; minus strand). Cytogenetic location: 3q23.
Variant type: single nucleotide variant.
Coding change: c.2805+272T>G on transcript NM_001184.4 (MANE Select); 272 bases into the intron after coding-DNA position 2805, T replaced by G.
Molecular consequence: intron variant.
Genome position (GRCh38, 1-based): chr3:142,552,955, A>C on the plus strand (T>G on the coding strand, the complement: ATR is on the minus strand). VCF-style: chr3-142552955-A-C. GRCh37 (hg19) VCF-style: chr3-142271797-A-C.
Other names: c.2613+272T>G (NM_001354579.2).
Identifiers: ClinVar variation 668020 (VCV000668020.1), dbSNP rs10935465, ClinGen allele CA15236900.

ClinVar aggregate classification (germline): Benign (1 of 4 stars; one submission).

Allele frequency attached by ClinVar (database versions not stated): 1000 Genomes Project 0.61482; 1000 Genomes Project 30x 0.62071; gnomAD 0.64051; TOPMed 0.65249.

Submission:

GeneDx
Classification: Benign. Last evaluated: 2018-06-16. Review status: criteria provided, single submitter. Criteria: GeneDx Variant Classification (06012015). Collection method: clinical testing. Allele origin: germline. Affected: yes.
Comment: This variant is considered likely benign or benign based on one or more of the following criteria: it is a conservative change, it occurs at a poorly conserved position in the protein, it is predicted to be benign by multiple in silico algorithms, and/or has population frequency not consistent with disease.